The following is an entry in ClinVar:

ClinVar aggregate classification (germline): Pathogenic (1 of 4 stars; one submission).

Conditions:
Telangiectasia, hereditary hemorrhagic, type 2 (HHT2). Also called: Telangiectasia, hereditary hemorrhagic, type II; ACVRL1-Related Hereditary Hemorrhagic Telangiectasia. Identifiers: Orphanet 774, MedGen C1838163, MONDO:0010880, OMIM 600376. Disease mechanism: loss of function.

Submission:

Labcorp Genetics (formerly Invitae), Labcorp
Classification: Pathogenic for Telangiectasia, hereditary hemorrhagic, type 2. Last evaluated: 2020-06-27. Review status: criteria provided, single submitter. Criteria: Invitae Variant Classification Sherloc (09022015). Collection method: clinical testing. Allele origin: germline.
Comment: For these reasons, this variant has been classified as Pathogenic. Loss-of-function variants in ACVRL1 are known to be pathogenic (PMID: 15879500). This variant has not been reported in the literature in individuals with ACVRL1-related conditions. This variant is not present in population databases (ExAC no frequency). This sequence change creates a premature translational stop signal (p.Ser27Glyfs*5) in the ACVRL1 gene. It is expected to result in an absent or disrupted protein product.

Literature cited by the submitters: PubMed 15879500.

NM_000020.3(ACVRL1):c.78_81del (p.Ser27fs)

Gene: ACVRL1 (activin A receptor like type 1; plus strand). Cytogenetic location: 12q13.13.
Variant type: Deletion.
Coding change: c.78_81del on transcript NM_000020.3 (MANE Select); coding-DNA positions 78 to 81, 4 bases deleted (GTCT; older notation c.78_81delGTCT).
Protein change: p.Ser27fs; shifts the reading frame from serine 27.
Molecular consequence: frameshift variant.
Genome position (GRCh38, 1-based): chr12:51,913,115-51,913,118, GTCT deleted. VCF-style (leftmost placement, unchanged base first): chr12-51913114-CGTCT-C. GRCh37 (hg19) VCF-style: chr12-52306898-CGTCT-C.
Other names: c.78_81del, p.Ser27fs (NM_001077401.2); short protein forms S27fs.
Identifiers: ClinVar variation 1072475 (VCV001072475.7), dbSNP rs2139064218, ClinGen allele CA2499221742.